The following is an entry in ClinVar:

ClinVar aggregate classification (germline): Uncertain significance (1 of 4 stars; one submission).

Submission:

Labcorp Genetics (formerly Invitae), Labcorp
Classification: Uncertain significance. Last evaluated: 2026-01-05. Review status: criteria provided, single submitter. Criteria: Invitae Variant Classification Sherloc (09022015). Collection method: clinical testing. Allele origin: germline.
Comment: This sequence change replaces histidine, which is basic and polar, with glutamine, which is neutral and polar, at codon 200 of the ITM2B protein (p.His200Gln). This variant is not present in population databases (gnomAD no frequency). This variant has not been reported in the literature in individuals affected with ITM2B-related conditions. ClinVar contains an entry for this variant (Variation ID: 1435638). Invitae Evidence Modeling of protein sequence and biophysical properties (such as structural, functional, and spatial information, amino acid conservation, physicochemical variation, residue mobility, and thermodynamic stability) indicates that this missense variant is not expected to disrupt ITM2B protein function with a negative predictive value of 80%. In summary, the available evidence is currently insufficient to determine the role of this variant in disease. Therefore, it has been classified as a Variant of Uncertain Significance.

NM_021999.5(ITM2B):c.600T>A (p.His200Gln)

Gene: ITM2B (integral membrane protein 2B; plus strand). Cytogenetic location: 13q14.2.
Variant type: single nucleotide variant.
Coding change: c.600T>A on transcript NM_021999.5 (MANE Select); coding-DNA position 600, T replaced by A.
Protein change: p.His200Gln; replaces histidine 200 with glutamine.
Molecular consequence: missense variant.
Genome position (GRCh38, 1-based): chr13:48,258,832, T>A. VCF-style: chr13-48258832-T-A. GRCh37 (hg19) VCF-style: chr13-48832968-T-A.
Other names: short protein forms H200Q.
Identifiers: ClinVar variation 1435638 (VCV001435638.6), dbSNP rs2137995910, ClinGen allele CA388251830.